The following is an entry in ClinVar:

NM_005618.4(DLL1):c.162C>G (p.Cys54Trp)

Gene: DLL1 (delta like canonical Notch ligand 1; minus strand). Cytogenetic location: 6q27.
Variant type: single nucleotide variant.
Coding change: c.162C>G on transcript NM_005618.4 (MANE Select); coding-DNA position 162, C replaced by G.
Protein change: p.Cys54Trp; replaces cysteine 54 with tryptophan.
Molecular consequence: missense variant.
Genome position (GRCh38, 1-based): chr6:170,289,701, G>C on the plus strand (C>G on the coding strand, the complement: DLL1 is on the minus strand). VCF-style: chr6-170289701-G-C. GRCh37 (hg19) VCF-style: chr6-170598789-G-C.
Other names: short protein forms C54W.
Identifiers: ClinVar variation 5006997 (VCV005006997.2).

ClinVar aggregate classification (germline): Uncertain significance (1 of 4 stars; one submission).

Conditions:
Neurodevelopmental disorder with nonspecific brain abnormalities and with or without seizures. Identifiers: MedGen C5231470, MONDO:0032877, OMIM 618709.

Submission:

Juno Genomics, Hangzhou Juno Genomics, Inc
Classification: Uncertain significance for Neurodevelopmental disorder with nonspecific brain abnormalities and with or without seizures. Review status: criteria provided, single submitter. Criteria: ACMG Guidelines, 2015. Collection method: clinical testing. Allele origin: germline.
Comment: Absent from controls (or at extremely low frequency if recessive) in Genome Aggregation Database.;Multiple lines of computational evidence support a deleterious effect on the gene or gene product.